The following is an entry in ClinVar:

ClinVar aggregate classification (germline): Uncertain significance (1 of 4 stars; one submission).

Submission:

Labcorp Genetics (formerly Invitae), Labcorp
Classification: Uncertain significance. Last evaluated: 2022-05-27. Review status: criteria provided, single submitter. Criteria: Invitae Variant Classification Sherloc (09022015). Collection method: clinical testing. Allele origin: germline.
Comment: In summary, the available evidence is currently insufficient to determine the role of this variant in disease. Therefore, it has been classified as a Variant of Uncertain Significance. Experimental studies and prediction algorithms are not available or were not evaluated, and the functional significance of this variant is currently unknown. This variant has not been reported in the literature in individuals affected with CTDP1-related conditions. This variant is a gross deletion of the genomic region encompassing exon(s) 5-13 of the CTDP1 gene, which includes the termination codon. This deletion extends beyond the assayed region for this gene and therefore may encompass additional genes. While this deletion is not anticipated to lead to nonsense mediated decay, it is expected to alter mRNA translation or result in a truncated protein product.

NC_000018.9:g.(?_77464747)_(77513790_?)del

Gene: CTDP1 (CTD phosphatase subunit 1; plus strand). Cytogenetic location: 18q23.
Variant type: Deletion.
Identifiers: ClinVar variation 2425204 (VCV002425204.4).